The following is an entry in ClinVar:

NM_001177316.2(SLC34A3):c.1653G>A (p.Trp551Ter)

Gene: SLC34A3 (solute carrier family 34 member 3; plus strand). Cytogenetic location: 9q34.3.
Variant type: single nucleotide variant.
Coding change: c.1653G>A on transcript NM_001177316.2 (MANE Select); coding-DNA position 1653, G replaced by A.
Protein change: p.Trp551Ter; replaces tryptophan 551 with a stop codon.
Molecular consequence: nonsense.
Genome position (GRCh38, 1-based): chr9:137,236,269, G>A. VCF-style: chr9-137236269-G-A. GRCh37 (hg19) VCF-style: chr9-140130721-G-A.
Other names: c.1653G>A, p.Trp551Ter (NM_001177317.2, NM_080877.3); short protein forms W551*.
Identifiers: ClinVar variation 424408 (VCV000424408.3), dbSNP rs1064796955, ClinGen allele CA16618814.

ClinVar aggregate classification (germline): Likely pathogenic (1 of 4 stars; one submission).

Submission:

GeneDx
Classification: Likely pathogenic. Last evaluated: 2017-03-23. Review status: criteria provided, single submitter. Criteria: GeneDx Variant Classification (06012015). Collection method: clinical testing. Allele origin: germline. Affected: yes.
Comment: The W551X variant in the SLC34A3 gene has not been reported previously as a pathogenic variant nor as a benign variant, to our knowledge. This variant is predicted to cause loss of normal protein function through protein truncation. The W551X variant is not observed in large population cohorts (Lek et al., 2016; 1000 Genomes Consortium et al., 2015; Exome Variant Server). We interpret W551X as a likely pathogenic variant.